The following is an entry in ClinVar:

NM_001378454.1(ALMS1):c.8658_8783del (p.Ser2891_Gln2932del)

Gene: ALMS1 (ALMS1 centrosome and basal body associated protein; plus strand). Cytogenetic location: 2p13.1.
Variant type: Deletion.
Coding change: c.8658_8783del on transcript NM_001378454.1 (MANE Select); coding-DNA positions 8658 to 8783, 126 bases deleted.
Protein change: p.Ser2891_Gln2932del.
Molecular consequence: inframe deletion.
Genome position (GRCh38, 1-based): chr2:73,490,617-73,490,742, 126 bases deleted. GRCh37 (hg19): chr2:73,717,744-73,717,869.
Other names: c.8661_8786del, p.Ser2892_Gln2933del (NM_015120.4).
Identifiers: ClinVar variation 2024139 (VCV002024139.3), dbSNP rs1558667189, ClinGen allele CA1714505.

ClinVar aggregate classification (germline): Uncertain significance (1 of 4 stars; one submission).

Conditions:
Alstrom syndrome (ALMS). Identifiers: Orphanet 64, MedGen C0268425, MONDO:0008763, OMIM 203800.

Submission:

Labcorp Genetics (formerly Invitae), Labcorp
Classification: Uncertain significance for Alstrom syndrome. Last evaluated: 2022-08-13. Review status: criteria provided, single submitter. Criteria: Invitae Variant Classification Sherloc (09022015). Collection method: clinical testing. Allele origin: germline.
Comment: In summary, the available evidence is currently insufficient to determine the role of this variant in disease. Therefore, it has been classified as a Variant of Uncertain Significance. Experimental studies and prediction algorithms are not available or were not evaluated, and the functional significance of this variant is currently unknown. This variant has not been reported in the literature in individuals affected with ALMS1-related conditions. This variant is present in population databases (no rsID available, gnomAD 0.007%). This variant, c.8661_8786del, results in the deletion of 42 amino acid(s) of the ALMS1 protein (p.Ser2892_Gln2933del), but otherwise preserves the integrity of the reading frame.